The following is an entry in ClinVar:

NM_015909.4(NBAS):c.6909T>A (p.Cys2303Ter)

Gene: NBAS (NBAS subunit of NRZ tethering complex; minus strand). Cytogenetic location: 2p24.3.
Variant type: single nucleotide variant.
Coding change: c.6909T>A on transcript NM_015909.4 (MANE Select); coding-DNA position 6909, T replaced by A.
Protein change: p.Cys2303Ter; replaces cysteine 2303 with a stop codon.
Molecular consequence: nonsense. On other transcripts: non-coding transcript variant (1).
Genome position (GRCh38, 1-based): chr2:15,167,255, A>T on the plus strand (T>A on the coding strand, the complement: NBAS is on the minus strand). VCF-style: chr2-15167255-A-T. GRCh37 (hg19) VCF-style: chr2-15307379-A-T.
Other names: short protein forms C2303*.
Identifiers: ClinVar variation 1331491 (VCV001331491.4), dbSNP rs778338208, ClinGen allele CA1534818.

ClinVar aggregate classification (germline): Conflicting classifications of pathogenicity. Review status: criteria provided, conflicting classifications (1 of 4 stars). 2 submissions from 2 submitters: Likely pathogenic (1); Uncertain significance (1). Last evaluated 2022-07-12.

Conditions:
Acute infantile liver failure due to synthesis defect of mtDNA-encoded proteins. Also called: Liver failure acute infantile; TRMU Deficiency; LIVER FAILURE, INFANTILE, TRANSIENT. Identifiers: Orphanet 217371, MedGen C3278664, MONDO:0013111, OMIM 613070.

Allele frequency attached by ClinVar (database versions not stated): TOPMed 0.00001; ExAC 0.00001; gnomAD 0.00001; gnomAD exomes 0.00001 and below 0.00001.
gnomAD v4.1: 15 of 1,614,108 alleles (0.00093%); highest among the groups gnomAD compares: Non-Finnish European, 0.0013%; no homozygotes.

Submissions (2):

Labcorp Genetics (formerly Invitae), Labcorp
Classification: Uncertain significance. Last evaluated: 2022-07-12. Review status: criteria provided, single submitter. Criteria: Invitae Variant Classification Sherloc (09022015). Collection method: clinical testing. Allele origin: germline.
Comment: This sequence change creates a premature translational stop signal (p.Cys2303*) in the NBAS gene. While this is not anticipated to result in nonsense mediated decay, it is expected to disrupt the last 69 amino acid(s) of the NBAS protein. This variant is present in population databases (rs778338208, gnomAD 0.0009%). This variant has not been reported in the literature in individuals affected with NBAS-related conditions. ClinVar contains an entry for this variant (Variation ID: 1331491). Algorithms developed to predict the effect of sequence changes on RNA splicing suggest that this variant may create or strengthen a splice site. In summary, the available evidence is currently insufficient to determine the role of this variant in disease. Therefore, it has been classified as a Variant of Uncertain Significance.

Women's Health and Genetics/Laboratory Corporation of America, LabCorp
Classification: Likely pathogenic for Acute infantile liver failure due to synthesis defect of mtDNA-encoded proteins. Last evaluated: 2021-12-27. Review status: criteria provided, single submitter. Criteria: LabCorp Variant Classification Summary - May 2015. Collection method: clinical testing. Allele origin: germline.
Comment: Variant summary: NBAS c.6909T>A (p.Cys2303X) results in a premature termination codon in exon 52 (i.e. in the last exon), predicted to cause a truncation of the encoded protein, but is not expected to result in nonsense mediated decay (NMD). The variant allele was found at a frequency of 4e-06 in 251446 control chromosomes (gnomAD). To our knowledge, no occurrence of c.6909T>A in individuals affected with Liver Failure Acute Infantile, Type 2 and no experimental evidence demonstrating its impact on protein function have been reported. However, a truncating variant downstream from this position (c.6966_6969delAGGGinsTC (p.Gln2322Hisfs*18)) has been reported in the literature in a compound heterozygous individual affected with NBAS-associated disease, with clinical symptoms including optic atrophy, motor delay, hypogammaglobulinemia and elevated liver transaminases (PMID: 31761904). No clinical diagnostic laboratories have submitted clinical-significance assessments for this variant to ClinVar after 2014. Based on the evidence outlined above, the variant was classified as likely pathogenic.